The following is an entry in ClinVar:

NM_000642.3(AGL):c.671del (p.Asn224fs)

Gene: AGL (amylo-alpha-1,6-glucosidase and 4-alpha-glucanotransferase; plus strand). Cytogenetic location: 1p21.2.
Variant type: Deletion.
Coding change: c.671del on transcript NM_000642.3 (MANE Select); coding-DNA position 671, one base deleted (A; older notation c.671delA).
Protein change: p.Asn224fs; shifts the reading frame from asparagine 224.
Molecular consequence: frameshift variant.
Genome position (GRCh38, 1-based): chr1:99,870,406, A deleted; the last of 2 consecutive A bases (chr1:99,870,405-99,870,406); deleting either gives the same sequence. VCF-style (leftmost placement, unchanged base first): chr1-99870404-TA-T. GRCh37 (hg19) VCF-style: chr1-100335960-TA-T.
Other names: p.Asn224Ilefs*16; c.671delA, p.Asn224Ilefs (NM_000028.3, NM_000643.3, NM_000644.3 and 3 more transcripts); c.623delA, p.Asn208Ilefs (NM_000646.3); c.467delA, p.Asn156Ilefs (NM_001425328.1, NM_001425329.1); c.293delA, p.Asn98Ilefs (NM_001425332.1); short protein forms N208fs, N224fs.
Identifiers: ClinVar variation 1076525 (VCV001076525.8), dbSNP rs2101111970, ClinGen allele CA2499214913.

ClinVar aggregate classification (germline): Pathogenic/Likely pathogenic. Review status: criteria provided, multiple submitters, no conflicts (2 of 4 stars). 2 submissions from 2 submitters: Pathogenic (1); Likely pathogenic (1). Last evaluated 2025-06-22.

Conditions:
Glycogen storage disease type III (GSD3). Also called: Cori disease; FORBES DISEASE. Identifiers: Orphanet 366, MedGen C0017922, MONDO:0009291, OMIM 232400.

Submissions (2):

Labcorp Genetics (formerly Invitae), Labcorp
Classification: Pathogenic for Glycogen storage disease type III. Last evaluated: 2025-06-22. Review status: criteria provided, single submitter. Criteria: Invitae Variant Classification Sherloc (09022015). Collection method: clinical testing. Allele origin: germline.
Comment: This sequence change creates a premature translational stop signal (p.Asn224Ilefs*16) in the AGL gene. It is expected to result in an absent or disrupted protein product. Loss-of-function variants in AGL are known to be pathogenic (PMID: 19299494). This variant is not present in population databases (gnomAD no frequency). This variant has not been reported in the literature in individuals affected with AGL-related conditions. ClinVar contains an entry for this variant (Variation ID: 1076525). For these reasons, this variant has been classified as Pathogenic.

Mayo Clinic Laboratories, Mayo Clinic
Classification: Likely pathogenic. Last evaluated: 2023-08-21. Review status: criteria provided, single submitter. Criteria: ACMG Guidelines, 2015. Collection method: clinical testing. Allele origin: germline. Observed: 1 variant allele.
Comment: PM2_moderate, PVS1

Literature cited by the submitters: PubMed 19299494 (cited by Labcorp Genetics (formerly Invitae), Labcorp).